The following is an entry in ClinVar:

NM_001184.4(ATR):c.1645A>C (p.Ser549Arg)

Gene: ATR (ATR checkpoint kinase; minus strand). Cytogenetic location: 3q23.
Variant type: single nucleotide variant.
Coding change: c.1645A>C on transcript NM_001184.4 (MANE Select); coding-DNA position 1645, A replaced by C.
Protein change: p.Ser549Arg; replaces serine 549 with arginine.
Molecular consequence: missense variant.
Genome position (GRCh38, 1-based): chr3:142,559,338, T>G on the plus strand (A>C on the coding strand, the complement: ATR is on the minus strand). VCF-style: chr3-142559338-T-G. GRCh37 (hg19) VCF-style: chr3-142278180-T-G.
Other names: c.1453A>C, p.Ser485Arg (NM_001354579.2); short protein forms S485R, S549R.
Identifiers: ClinVar variation 1777129 (VCV001777129.2), dbSNP rs2473411828, ClinGen allele CA354822138.

ClinVar aggregate classification (germline): Uncertain significance (1 of 4 stars; one submission).

Conditions:
Inborn genetic diseases. Identifiers: MedGen C0950123, MeSH D030342.

Submission:

Ambry Genetics
Classification: Uncertain significance for Inborn genetic diseases. Last evaluated: 2021-06-28. Review status: criteria provided, single submitter. Criteria: Ambry Variant Classification Scheme 2023. Collection method: clinical testing. Allele origin: germline.
Comment: The p.S549R variant (also known as c.1645A>C), located in coding exon 7 of the ATR gene, results from an A to C substitution at nucleotide position 1645. The serine at codon 549 is replaced by arginine, an amino acid with dissimilar properties. This amino acid position is conserved. In addition, this alteration is predicted to be tolerated by in silico analysis. Since supporting evidence is limited at this time, the clinical significance of this alteration remains unclear.